The following is an entry in ClinVar:

NM_001035.3(RYR2):c.6916G>C (p.Val2306Leu)

Gene: RYR2 (ryanodine receptor 2; plus strand). Cytogenetic location: 1q43.
Variant type: single nucleotide variant.
Coding change: c.6916G>C on transcript NM_001035.3 (MANE Select); coding-DNA position 6916, G replaced by C.
Protein change: p.Val2306Leu; replaces valine 2306 with leucine.
Molecular consequence: missense variant.
Genome position (GRCh38, 1-based): chr1:237,638,480, G>C. VCF-style: chr1-237638480-G-C. GRCh37 (hg19) VCF-style: chr1-237801780-G-C.
Other names: p.V2306L:GTC>CTC; c.6916G>C, p.Val2306Leu (LRG_402t1); short protein forms V2306L.
Identifiers: ClinVar variation 201268 (VCV000201268.2), dbSNP rs794728746, ClinGen allele CA010389.
Genomic context (GRCh38, chr1:237,638,480, plus strand): 5'-CCAGACATTGGGTGGAACCCAGTTGAAGGAGAGAGATATCTTGACTTTCTTAGATTTGCT[G>C]TCTTCTGTAATGGTAGGACTTGATTTCTTGAGGTCTTTTGAGTTATCATTAAAACTGCAT-3'
Protein context (NP_001026.2, residues 2296-2316): ERYLDFLRFA[Val2306Leu]FCNGESVEEN

ClinVar aggregate classification (germline): Pathogenic (1 of 4 stars; one submission).

Submission:

GeneDx
Classification: Pathogenic. Last evaluated: 2013-03-18. Review status: criteria provided, single submitter. Criteria: GeneDx Variant Classification (06012015). Collection method: clinical testing. Allele origin: germline. Affected: yes.
Comment: p.Val2306Leu (GTC>CTC): c.6916 G>C in exon 45 of the RYR2 gene (NM_001035.2). While the Val2306Leu mutation in the RYR2 gene has not been published to our knowledge, a mutation affecting this same residue (Val2306Ile), has been reported as a de novo mutation in one individual diagnosed with CPVT (Laitinen P et al., 2003). Additionally, mutations in nearby residues (Glu2296Gln, Glu2311Asp, Ala2317Glu) have been reported in association with arrhythmia, further supporting the functional importance of the Val2306 residue and this region of the protein. Although Val2306Leu results in a conservative amino acid substitution of one non-polar amino acid for another, this substitution occurs at a position that is highly conserved across species, and is located in one of three mutation hot spot regions in the RYR2 gene (Medeiros-Domingo A et al., 2009). In silico analysis predicts Val2306Leu is damaging to the protein structure/function. Furthermore, Val2306Leu was not observed in approximately 6000 individuals of European and African American ancestry in the NHLBI Exome Sequencing Project, indicating it is not a common benign variant in these populations. In summary, Val2306Leu in the RYR2 gene is interpreted as a likely disease-causing mutation. Catecholaminergic Polymorphic Ventricular Tachycardia (CPVT) is characterized by syncope, typically beginning in the first decade of life, which may be triggered by physical activity or intense emotion. In patients with CPVT, stress-induced release of catecholamines causes a dysfunction of the calcium--ion channel in the myocytes (De La Fuente et al., 2008; Napolitano C et al., 2012; Priori S et al., 2002). CPVT is primarily caused by autosomal dominant mutations in the RYR2 and KCNJ2 genes. Approximately 50% of patients with autosomal dominant CPVT have been reported to have a mutation in the RYR2 gene, while mutations in the RYR2 gene associated with ARVC are rare (McNally E et al., 2009; Napolitano C et al., 2012). The variant is found in ARVC,POSTMORTEM panel(s).